The following is an entry in ClinVar:

NM_001329943.3(KIAA0586):c.2630T>C (p.Ile877Thr)

Gene: KIAA0586 (KIAA0586; plus strand). Cytogenetic location: 14q23.1.
Variant type: single nucleotide variant.
Coding change: c.2630T>C on transcript NM_001329943.3 (MANE Select); coding-DNA position 2630, T replaced by C.
Protein change: p.Ile877Thr; replaces isoleucine 877 with threonine.
Molecular consequence: missense variant.
Genome position (GRCh38, 1-based): chr14:58,472,275, T>C. VCF-style: chr14-58472275-T-C. GRCh37 (hg19) VCF-style: chr14-58938993-T-C.
Other names: c.2789T>C, p.Ile930Thr (NM_001244189.2); c.2585T>C, p.Ile862Thr (NM_001244190.2); c.2375T>C, p.Ile792Thr (NM_001244191.2, NM_001329945.2, NM_001364700.1 and 1 more transcripts); c.2498T>C, p.Ile833Thr (NM_001244192.2); c.2210T>C, p.Ile737Thr (NM_001244193.2); c.2630T>C, p.Ile877Thr (NM_001329944.2, NM_001329946.2, NM_001329947.2); c.2402T>C, p.Ile801Thr (NM_014749.5); c.2402T>C (NM_014749.3); short protein forms I801T, I862T, I737T, I833T, I792T, I877T, I930T.
Identifiers: ClinVar variation 2028017 (VCV002028017.5), dbSNP rs377015806, ClinGen allele CA261639969.
Genomic context (GRCh38, chr14:58,472,275, plus strand): 5'-AGGTAGATGAAGAAGAGGTGAAGTTTCCAGGAACTAACTTTGATGAAATAATCGATGTCA[T>C]ACAGGTAACAAAGCTTAGAAACCATGAGAAATTATTTTTCTACCGGTATTTTTCCAGGTT-3'
Protein context (NP_001316872.1, residues 867-887): GTNFDEIIDV[Ile877Thr]QEEEKCDEIP

ClinVar aggregate classification (germline): Uncertain significance. Review status: criteria provided, multiple submitters, no conflicts (2 of 4 stars). 2 submissions from 2 submitters: Uncertain significance (2). Last evaluated 2025-05-20.

Conditions:
Short-rib thoracic dysplasia 14 with polydactyly (SRTD14). Identifiers: Orphanet 397715, MedGen C4225286, MONDO:0014688, OMIM 616546.
Joubert syndrome 23 (JBTS23). Identifiers: Orphanet 475, MedGen C4084822, MONDO:0014664, OMIM 616490.
Inborn genetic diseases. Identifiers: MedGen C0950123, MeSH D030342.

Allele frequency attached by ClinVar (database versions not stated): gnomAD 0.00002; TOPMed 0.00003; ESP Exome Variant Server 0.00009.

Submissions (2):

Ambry Genetics
Classification: Uncertain significance for Inborn genetic diseases. Last evaluated: 2025-05-20. Review status: criteria provided, single submitter. Criteria: Ambry Variant Classification Scheme 2023. Collection method: clinical testing. Allele origin: germline.

Labcorp Genetics (formerly Invitae), Labcorp
Classification: Uncertain significance for Joubert syndrome 23; Short-rib thoracic dysplasia 14 with polydactyly. Last evaluated: 2024-12-02. Review status: criteria provided, single submitter. Criteria: Invitae Variant Classification Sherloc (09022015). Collection method: clinical testing. Allele origin: germline.
Comment: This sequence change replaces isoleucine, which is neutral and non-polar, with threonine, which is neutral and polar, at codon 930 of the KIAA0586 protein (p.Ile930Thr). This variant is not present in population databases (gnomAD no frequency). This variant has not been reported in the literature in individuals affected with KIAA0586-related conditions. ClinVar contains an entry for this variant (Variation ID: 2028017). Invitae Evidence Modeling of protein sequence and biophysical properties (such as structural, functional, and spatial information, amino acid conservation, physicochemical variation, residue mobility, and thermodynamic stability) indicates that this missense variant is not expected to disrupt KIAA0586 protein function with a negative predictive value of 80%. In summary, the available evidence is currently insufficient to determine the role of this variant in disease. Therefore, it has been classified as a Variant of Uncertain Significance.